The following is an entry in ClinVar:

ClinVar aggregate classification (germline): Conflicting classifications of pathogenicity. Review status: criteria provided, conflicting classifications (1 of 4 stars). 2 submissions from 2 submitters: Uncertain significance (1); Likely benign (1). Last evaluated 2023-11-01.

Allele frequency attached by ClinVar (database versions not stated): gnomAD exomes 0.00010; ExAC 0.00018; gnomAD 0.00026; 1000 Genomes Project 30x 0.00031; ESP Exome Variant Server 0.00031; TOPMed 0.00032.
gnomAD v4.1: 199 of 1,613,970 alleles (0.012%); highest among the groups gnomAD compares: African/African-American, 0.068%; no homozygotes.

Submissions (2):

CeGaT Center for Human Genetics Tuebingen
Classification: Likely benign. Last evaluated: 2023-11-01. Review status: criteria provided, single submitter. Criteria: CeGaT Center For Human Genetics Tuebingen Variant Classification Criteria Version 2. Collection method: clinical testing. Allele origin: germline. Affected: yes. Observed: 1 variant allele.
Comment: MAP3K4: BP4

Ambry Genetics
Classification: Uncertain significance. Last evaluated: 2022-03-29. Review status: criteria provided, single submitter. Criteria: Ambry Variant Classification Scheme 2023. Collection method: clinical testing. Allele origin: germline.

NM_005922.4(MAP3K4):c.3020G>A (p.Arg1007His)

Gene: MAP3K4 (mitogen-activated protein kinase kinase kinase 4; plus strand). Cytogenetic location: 6q26.
Variant type: single nucleotide variant.
Coding change: c.3020G>A on transcript NM_005922.4 (MANE Select); coding-DNA position 3020, G replaced by A.
Protein change: p.Arg1007His; replaces arginine 1007 with histidine.
Molecular consequence: missense variant. On other transcripts: non-coding transcript variant (1).
Genome position (GRCh38, 1-based): chr6:161,091,425, G>A. VCF-style: chr6-161091425-G-A. GRCh37 (hg19) VCF-style: chr6-161512457-G-A.
Other names: c.1379G>A, p.Arg460His (NM_001291958.2); c.3020G>A, p.Arg1007His (NM_001301072.2, NM_001363582.2, NM_006724.4); short protein forms R460H, R1007H.
Identifiers: ClinVar variation 2208848 (VCV002208848.25), dbSNP rs138632491, ClinGen allele CA4088809.
Genomic context (GRCh38, chr6:161,091,425, plus strand): 5'-TTTGGACTCTTCAGAATGATGCATTGGAGCTATGCAACAGGATAAGCAATGCCATTGACC[G>A]CGTGGACCACATGTTCACATCAGAATTTGATGCTGAGGTTGATGAATCTGAATCTGTCAC-3'
Protein context (NP_005913.3, residues 997-1017): LCNRISNAID[Arg1007His]VDHMFTSEFD